The following is an entry in ClinVar:

NM_144992.5(VWA3B):c.3038dup (p.Glu1015fs)

Gene: VWA3B (von Willebrand factor A domain containing 3B; plus strand). Cytogenetic location: 2q11.2.
Variant type: Duplication.
Coding change: c.3038dup on transcript NM_144992.5 (MANE Select); coding-DNA position 3038, one base duplicated (C; older notation c.3038dupC).
Protein change: p.Glu1015fs; shifts the reading frame from glutamic acid 1015.
Molecular consequence: frameshift variant. On other transcripts: non-coding transcript variant (1).
Genome position (GRCh38, 1-based): chr2:98,270,876, C duplicated; the last of 4 consecutive C bases (chr2:98,270,873-98,270,876); duplicating any one gives the same sequence. VCF-style (leftmost placement, unchanged base first): chr2-98270872-G-GC. GRCh37 (hg19) VCF-style: chr2-98887335-G-GC.
Other names: c.2009dup, p.Glu672fs (NM_001345864.2); short protein forms E1015fs, E672fs.
Identifiers: ClinVar variation 5038103 (VCV005038103.1).
Genomic context (GRCh38, chr2:98,270,872, plus strand): 5'-ATGTACATCCAGCAGGCCATGGAACTCCAGGAGGCTGCCAAGAAGAATTATGCAAACAAG[G>GC]CCCCGGGAGAGGTGGGTGCCCTGGAGGTCTCTGTCTTTCCTCCCTCTCTGCCTATCCCAA-3'

ClinVar aggregate classification (germline): Uncertain significance (1 of 4 stars; one submission).

Conditions:
Spinocerebellar ataxia, autosomal recessive 22 (SCAR22). Identifiers: MedGen C4310781, MONDO:0014845, OMIM 616948.

Submission:

MVZ Medizinische Genetik Mainz
Classification: Uncertain significance for Spinocerebellar ataxia, autosomal recessive 22. Last evaluated: 2026-04-30. Review status: criteria provided, single submitter. Criteria: UK Practice Guidelines For Variant Classification V4 01 2020. Collection method: clinical testing. Allele origin: germline. Inheritance: Autosomal recessive inheritance. Affected: yes. Observed: 1 variant allele.
Comment: ACMG Criteria: PVS1_MOD,PM2_SUP